The following is an entry in ClinVar:

NM_024577.4(SH3TC2):c.*1935T>C

Gene: SH3TC2 (SH3 domain and tetratricopeptide repeats 2; minus strand). Cytogenetic location: 5q32.
Variant type: single nucleotide variant.
Coding change: c.*1935T>C on transcript NM_024577.4 (MANE Select); 1935 bases downstream of the stop codon, T replaced by C.
Molecular consequence: 3 prime UTR variant.
Genome position (GRCh38, 1-based): chr5:149,002,776, A>G on the plus strand (T>C on the coding strand, the complement: SH3TC2 is on the minus strand). VCF-style: chr5-149002776-A-G. GRCh37 (hg19) VCF-style: chr5-148382339-A-G.
Identifiers: ClinVar variation 351865 (VCV000351865.6), dbSNP rs6883926, ClinGen allele CA10623322.

ClinVar aggregate classification (germline): Benign. Review status: criteria provided, multiple submitters, no conflicts (2 of 4 stars). 3 submissions from 2 submitters: Benign (3). Last evaluated 2021-05-22.

Conditions:
Susceptibility to mononeuropathy of the median nerve, mild. Also called: CARPAL TUNNEL SYNDROME, SUSCEPTIBILITY TO. Identifiers: MedGen C3150596, MONDO:0013237, OMIM 613353.
Charcot-Marie-Tooth disease type 4C (CMT4C). Also called: CHARCOT-MARIE-TOOTH DISEASE, DEMYELINATING, AUTOSOMAL RECESSIVE, TYPE 4C; CMT 4C; Charcot-Marie-Tooth Neuropathy Type 4C (CMT4C); CHARCOT-MARIE-TOOTH DISEASE, DEMYELINATING, TYPE 4C; SH3TC2-Related Hereditary Motor and Sensory Neuropathy. Identifiers: Orphanet 99949, MedGen C1866636, MONDO:0011113, OMIM 601596.

Allele frequency attached by ClinVar (database versions not stated): gnomAD 0.04024 and 0.04318; TOPMed 0.04490; 1000 Genomes Project 0.04573; 1000 Genomes Project 30x 0.04700.

Submissions (3):

GeneDx
Classification: Benign. Last evaluated: 2021-05-22. Review status: criteria provided, single submitter. Criteria: GeneDx Variant Classification Process June 2021. Collection method: clinical testing. Allele origin: germline. Affected: yes.

Illumina Laboratory Services, Illumina
Classification: Benign for Charcot-Marie-Tooth disease type 4C. Last evaluated: 2018-01-13. Review status: criteria provided, single submitter. Criteria: ICSL Variant Classification Criteria 13 December 2019. Collection method: clinical testing. Allele origin: germline.
Comment: This variant was observed in the ICSL laboratory as part of a predisposition screen in an ostensibly healthy population. It had not been previously curated by ICSL or reported in the Human Gene Mutation Database (HGMD: prior to June 1st, 2018), and was therefore a candidate for classification through an automated scoring system. Utilizing variant allele frequency, disease prevalence and penetrance estimates, and inheritance mode, an automated score was calculated to assess if this variant is too frequent to cause the disease. Based on the score and internal cut-off values, a variant classified as benign is not then subjected to further curation. The score for this variant resulted in a classification of benign for this disease.

Illumina Laboratory Services, Illumina
Classification: Benign for Susceptibility to mononeuropathy of the median nerve, mild. Last evaluated: 2018-01-13. Review status: criteria provided, single submitter. Criteria: ICSL Variant Classification Criteria 13 December 2019. Collection method: clinical testing. Allele origin: germline.
Comment: the same text as in the submission from Illumina Laboratory Services, Illumina above.